The following is an entry in ClinVar:

NM_000290.4(PGAM2):c.16C>G (p.Leu6Val)

Genes: DBNL (drebrin like; plus strand), PGAM2 (phosphoglycerate mutase 2; minus strand). Cytogenetic location: 7p13.
Variant type: single nucleotide variant.
Coding change: c.16C>G on transcript NM_000290.4 (MANE Select); coding-DNA position 16, C replaced by G.
Protein change: p.Leu6Val; replaces leucine 6 with valine.
Molecular consequence: missense variant. On other transcripts: 3 prime UTR variant (6).
Genome position (GRCh38, 1-based): chr7:44,065,514, G>C on the plus strand (C>G on the coding strand, the complement: PGAM2 is on the minus strand). VCF-style: chr7-44065514-G-C. GRCh37 (hg19) VCF-style: chr7-44105113-G-C.
Other names: c.*4598G>C (NM_001014436.3, NM_001122956.2, NM_001284313.2 and 3 more transcripts); c.16C>G (NM_000290.3); short protein forms L6V.
Identifiers: ClinVar variation 1392561 (VCV001392561.4), dbSNP rs750344114, ClinGen allele CA4236701.

ClinVar aggregate classification (germline): Uncertain significance. Review status: criteria provided, multiple submitters, no conflicts (2 of 4 stars). 2 submissions from 2 submitters: Uncertain significance (2). Last evaluated 2025-05-21.

Conditions:
Inborn genetic diseases. Identifiers: MedGen C0950123, MeSH D030342.
Glycogen storage disease type X (GSD10). Also called: GSD X; MYOPATHY DUE TO PHOSPHOGLYCERATE MUTASE DEFICIENCY; Glycogen storage disease due to phosphoglycerate mutase deficiency; PGAMM DEFICIENCY; PHOSPHOGLYCERATE MUTASE, MUSCLE, DEFICIENCY OF; Dimauro disease. Identifiers: Orphanet 97234, MedGen C0268149, MONDO:0009865, OMIM 261670.

Allele frequency attached by ClinVar (database versions not stated): gnomAD 0.00001; TOPMed 0.00001; gnomAD exomes 0.00012; ExAC 0.00013.
gnomAD v4.1: 115 of 1,613,890 alleles (0.0071%); highest among the groups gnomAD compares: Middle Eastern, 0.16%; 1 homozygote.

Submissions (2):

Ambry Genetics
Classification: Uncertain significance for Inborn genetic diseases. Last evaluated: 2025-05-21. Review status: criteria provided, single submitter. Criteria: Ambry Variant Classification Scheme 2023. Collection method: clinical testing. Allele origin: germline.

Labcorp Genetics (formerly Invitae), Labcorp
Classification: Uncertain significance for Glycogen storage disease type X. Last evaluated: 2022-07-23. Review status: criteria provided, single submitter. Criteria: Invitae Variant Classification Sherloc (09022015). Collection method: clinical testing. Allele origin: germline.
Comment: This sequence change replaces leucine, which is neutral and non-polar, with valine, which is neutral and non-polar, at codon 6 of the PGAM2 protein (p.Leu6Val). This variant is present in population databases (rs750344114, gnomAD 0.08%). This variant has not been reported in the literature in individuals affected with PGAM2-related conditions. ClinVar contains an entry for this variant (Variation ID: 1392561). Algorithms developed to predict the effect of missense changes on protein structure and function output the following: SIFT: "Deleterious"; PolyPhen-2: "Benign"; Align-GVGD: "Class C15". The valine amino acid residue is found in multiple mammalian species, which suggests that this missense change does not adversely affect protein function. In summary, the available evidence is currently insufficient to determine the role of this variant in disease. Therefore, it has been classified as a Variant of Uncertain Significance.